The following is an entry in ClinVar:

ClinVar aggregate classification (germline): Pathogenic (1 of 4 stars; one submission).

Conditions:
Testosterone 17-beta-dehydrogenase deficiency. Also called: Pseudohermaphroditism male with gynecomastia; 46,XY disorder of sex development due to 17-beta-hydroxysteroid dehydrogenase 3 deficiency; 17-beta hydroxysteroid dehydrogenase 3 deficiency; 17 alpha ketosteroid reductase deficiency of testis; 17 alpha KSR deficiency; Neutral 17 beta hydroxysteroid oxidoreductase deficiency. Identifiers: Orphanet 752, MedGen C0268296, MONDO:0009916, OMIM 264300. Disease mechanism: loss of function.

Submission:

Victorian Clinical Genetics Services, Murdoch Childrens Research Institute
Classification: Pathogenic for Testosterone 17-beta-dehydrogenase deficiency. Last evaluated: 2025-04-22. Review status: criteria provided, single submitter. Criteria: ACMG Guidelines, 2015. Collection method: clinical testing. Allele origin: germline. Affected: yes.
Comment: This variant is classified as Pathogenic. Evidence in support of pathogenic classification: Variant is predicted to cause nonsense-mediated decay (NMD) and loss of protein (premature termination codon is located at least 54 nucleotides upstream of the final exon-exon junction); Variant is present in gnomAD <0.01 for a recessive condition (v4: 2 heterozygote(s), 0 homozygote(s)) ; Other NMD-predicted variant(s) comparable to the one identified in this case have very strong previous evidence for pathogenicity (DECIPHER). Additional information: This variant is heterozygous; This gene is associated with autosomal recessive disease; This variant has no previous evidence of pathogenicity; No published segregation evidence has been identified for this variant; No published functional evidence has been identified for this variant; Loss of function is a known mechanism of disease in this gene and is associated with male pseudohermaphroditism with gynecomastia (MIM#264300); Inheritance information for this variant is not currently available in this individual.

NM_000197.2(HSD17B3):c.302dup (p.Ile102fs)

Genes: HSD17B3 (hydroxysteroid 17-beta dehydrogenase 3; minus strand), SLC35D2-HSD17B3 (SLC35D2-HSD17B3 readthrough; minus strand). Cytogenetic location: 9q22.32.
Variant type: Duplication.
Coding change: c.302dup on transcript NM_000197.2 (MANE Select); coding-DNA position 302, one base duplicated (A; older notation c.302dupA).
Protein change: p.Ile102fs; shifts the reading frame from isoleucine 102.
Molecular consequence: frameshift variant. On other transcripts: non-coding transcript variant (1).
Genome position (GRCh38, 1-based): chr9:96,252,886, T duplicated on the plus strand (A on the coding strand, the reverse complement: HSD17B3 is on the minus strand); the first of 2 consecutive T bases (chr9:96,252,886-96,252,887); duplicating either gives the same sequence. VCF-style (leftmost placement, unchanged base first): chr9-96252885-C-CT. GRCh37 (hg19) VCF-style: chr9-99015167-C-CT.
Other names: short protein forms I102fs.
Identifiers: ClinVar variation 4532134 (VCV004532134.1).